The following is an entry in ClinVar:

ClinVar aggregate classification (germline): Pathogenic. Review status: criteria provided, multiple submitters, no conflicts (2 of 4 stars). 8 submissions from 8 submitters: Pathogenic (6). 2 of the submissions do not count toward it. Last evaluated 2026-03-13.

Conditions:
UBE3A-related disorder. Also called: UBE3A-related condition.
Angelman syndrome (AS). Also called: HAPPY PUPPET SYNDROME. Identifiers: Orphanet 72, MedGen C0162635, MONDO:0007113, OMIM 105830. Disease mechanism: loss of function. Inheritance: AS is caused by disruption of maternally imprinted UBE3A located within the 15q11.2-q13 Angelman syndrome/Prader-Willi syndrome (AS/PWS) region., imprinting disorder.

Submissions (8):

GeneDx
Classification: Pathogenic. Last evaluated: 2026-03-13. Review status: criteria provided, single submitter. Criteria: GeneDx Variant Classification Process June 2021. Collection method: clinical testing. Allele origin: germline.
Comment: Reported in a cohort of individuals with suspected Angelman syndrome; however, clinical information was not provided (PMID: 25212744); Nonsense variant predicted to result in protein truncation or nonsense mediated decay in a gene for which loss of function is a known mechanism of disease; Not observed at significant frequency in large population cohorts (gnomAD); This variant is associated with the following publications: (PMID: 28569743, 25212744)

3billion
Classification: Pathogenic for Angelman syndrome. Last evaluated: 2025-12-18. Review status: criteria provided, single submitter. Criteria: ACMG Guidelines, 2015. Collection method: clinical testing. Allele origin: germline. Affected: yes.
Comment: The variant is not observed in the gnomAD v4.1.0 dataset. Predicted Consequence/Location: Stop-gained (nonsense): predicted to result in a loss or disruption of normal protein function through nonsense-mediated decay (NMD) or protein truncation. Multiple pathogenic variants are reported downstream of the variant. The variant has been reported at least twice as pathogenic with clinical assertions and evidence for the classification (ClinVar ID: VCV000136192 /PMID: 25212744). Therefore, this variant is classified as Pathogenic according to the recommendation of ACMG/AMP guideline.

CeGaT Center for Human Genetics Tuebingen
Classification: Pathogenic. Last evaluated: 2021-02-01. Review status: criteria provided, single submitter. Criteria: CeGaT Center For Human Genetics Tuebingen Variant Classification Criteria Version 2. Collection method: clinical testing. Allele origin: germline. Affected: yes. Observed: 1 variant allele.

Labcorp Genetics (formerly Invitae), Labcorp
Classification: Pathogenic for Angelman syndrome. Last evaluated: 2020-11-30. Review status: criteria provided, single submitter. Criteria: Invitae Variant Classification Sherloc (09022015). Collection method: clinical testing. Allele origin: germline.
Comment: For these reasons, this variant has been classified as Pathogenic. This variant has been observed in individual(s) with clinical features of UBE3A-related conditions (PMID: 25212744). This variant is not present in population databases (ExAC no frequency). This sequence change creates a premature translational stop signal (p.Tyr104*) in the UBE3A gene. It is expected to result in an absent or disrupted protein product. Loss-of-function variants in UBE3A are known to be pathogenic (PMID: 25212744).

Neurogenetics Laboratory - MEYER, AOU Meyer
Classification: Pathogenic for Angelman syndrome. Last evaluated: 2016-11-16. Review status: criteria provided, single submitter. Criteria: ACMG Guidelines, 2015. Collection method: clinical testing. Allele origin: de novo. Affected: yes. Observed: 1 heterozygote.

Genetic Services Laboratory, University of Chicago
Classification: Pathogenic for Angelman syndrome. Last evaluated: 2013-02-08. Review status: criteria provided, single submitter. Criteria: ACMG Guidelines, 2007. Collection method: clinical testing. Allele origin: germline. Inheritance: Autosomal dominant inheritance. Affected: yes.

PreventionGenetics, part of Exact Sciences
Classification: Pathogenic for UBE3A-related condition. Last evaluated: 2024-09-09. Review status: no assertion criteria provided. Collection method: clinical testing. Allele origin: germline. Not counted in ClinVar's aggregate classification.
Comment: The UBE3A c.312_315delCTTA variant is predicted to result in premature protein termination (p.Tyr104*). This variant has been reported in individuals with Angelman syndrome (Sadikovic et al. 2014. PubMed ID: 25212744). In addition, another variant leading to the same loss of function change, has also been reported in an individual with Angelman syndrome [c.311dup (p.Tyr104*), Sadikovic et al. 2014. PubMed ID: 25212744]. This variant has not been reported in a large population database, indicating this variant is rare. This variant is interpreted as pathogenic.

Baylor Genetics
Classification: Pathogenic for Angelman Syndrome. Last evaluated: 2014-02-14. Review status: no assertion criteria provided. Collection method: clinical testing. Allele origin: germline. Affected: yes. Observed: 2 variant alleles. Study: UBE3A Mutation Study. Not counted in ClinVar's aggregate classification.
Comment: Data collected from clinical UBE3A sequence analysis results

Literature cited by the submitters: PubMed 25212744 (cited by 3 submitters).

NM_130839.5(UBE3A):c.372_375del (p.Thr123_Tyr124insTer)

Genes: SNHG14 (small nucleolar RNA host gene 14; plus strand), UBE3A (ubiquitin protein ligase E3A; minus strand). Cytogenetic location: 15q11.2.
Variant type: Microsatellite.
Coding change: c.372_375del on transcript NM_130839.5 (MANE Select); coding-DNA positions 372 to 375, 4 bases deleted (CTTA; older notation c.372_375delCTTA).
Protein change: p.Thr123_Tyr124insTer.
Molecular consequence: nonsense. On other transcripts: non-coding transcript variant (1), intron variant (2).
Genome position (GRCh38, 1-based): chr15:25,371,799-25,371,802, TAAG deleted on the plus strand (CTTA on the coding strand, the reverse complement: UBE3A is on the minus strand); deleting any 4 consecutive bases within chr15:25,371,799-25,371,807 gives the same sequence; the c. name uses the placement nearest the transcript's 3' end. VCF-style (leftmost placement, unchanged base first): chr15-25371798-TTAAG-T. GRCh37 (hg19) VCF-style: chr15-25616945-TTAAG-T.
Other names: c.195_198del, p.Thr64_Tyr65insTer (NM_001354546.2); c.312_315del, p.Thr103_Tyr104insTer (NM_001354547.2, NM_001354548.2, NM_001354549.2 and 17 more transcripts); c.301+3663_301+3666del (NM_001354551.2); c.361+3663_361+3666del (NM_001354550.2); c.372_375del, p.Thr123_Tyr124insTer (NM_001354545.2, NM_001354505.1, NM_001354538.2); c.381_384del, p.Thr126_Tyr127insTer (NM_000462.5); c.312_315delCTTA (NM_130838.1).
Identifiers: ClinVar variation 136192 (VCV000136192.48), dbSNP rs587780570, ClinGen allele CA333461.
Genomic context (GRCh38, chr15:25,371,798, plus strand): 5'-AAGGGGAATAATCCTCTCTTTCTCTACATAATTCAAGAATTTCATATACCTTCTCTTCTG[TTAAG>T]TAAGTCACATCTAGAAAATCAGAGGAAAAAAGAGAACATTTATTTTCATAATATGTATGT-3'